The following is an entry in ClinVar:

NM_001378120.1(MBD5):c.5175C>G (p.Ile1725Met)

Gene: MBD5 (methyl-CpG binding domain protein 5; plus strand). Cytogenetic location: 2q23.1.
Variant type: single nucleotide variant.
Coding change: c.5175C>G on transcript NM_001378120.1 (MANE Select); coding-DNA position 5175, C replaced by G.
Protein change: p.Ile1725Met; replaces isoleucine 1725 with methionine.
Molecular consequence: missense variant.
Genome position (GRCh38, 1-based): chr2:148,512,932, C>G. VCF-style: chr2-148512932-C-G. GRCh37 (hg19) VCF-style: chr2-149270501-C-G.
Other names: c.4476C>G, p.Ile1492Met (NM_018328.5); short protein forms I1492M, I1725M.
Identifiers: ClinVar variation 2827431 (VCV002827431.3), dbSNP rs1450019140, ClinGen allele CA348859470.

ClinVar aggregate classification (germline): Uncertain significance (1 of 4 stars; one submission).

Conditions:
Intellectual developmental disorder, autosomal dominant 1. Also called: MBD5 Haploinsufficiency; Intellectual disability, autosomal dominant 1. Identifiers: Orphanet 228402, MedGen C1969562, MONDO:0007974, OMIM 156200.

Submission:

Labcorp Genetics (formerly Invitae), Labcorp
Classification: Uncertain significance for Intellectual developmental disorder, autosomal dominant 1. Last evaluated: 2023-01-10. Review status: criteria provided, single submitter. Criteria: Invitae Variant Classification Sherloc (09022015). Collection method: clinical testing. Allele origin: germline.
Comment: In summary, the available evidence is currently insufficient to determine the role of this variant in disease. Therefore, it has been classified as a Variant of Uncertain Significance. Algorithms developed to predict the effect of missense changes on protein structure and function are either unavailable or do not agree on the potential impact of this missense change (SIFT: "Deleterious"; PolyPhen-2: "Not Available"; Align-GVGD: "Class C0"). This variant has not been reported in the literature in individuals affected with MBD5-related conditions. This variant is not present in population databases (gnomAD no frequency). This sequence change replaces isoleucine, which is neutral and non-polar, with methionine, which is neutral and non-polar, at codon 1492 of the MBD5 protein (p.Ile1492Met).